The following is an entry in ClinVar:

NM_000553.6(WRN):c.2273+3A>G

Gene: WRN (WRN RecQ like helicase; plus strand). Cytogenetic location: 8p12.
Variant type: single nucleotide variant.
Coding change: c.2273+3A>G on transcript NM_000553.6 (MANE Select); 3 bases into the intron after coding-DNA position 2273, A replaced by G.
Molecular consequence: intron variant.
Genome position (GRCh38, 1-based): chr8:31,111,802, A>G. VCF-style: chr8-31111802-A-G. GRCh37 (hg19) VCF-style: chr8-30969318-A-G.
Identifiers: ClinVar variation 656018 (VCV000656018.5), dbSNP rs1378766075, ClinGen allele CA850720721.

ClinVar aggregate classification (germline): Uncertain significance. Review status: criteria provided, multiple submitters, no conflicts (2 of 4 stars). 2 submissions from 2 submitters: Uncertain significance (2). Last evaluated 2024-07-28.

Conditions:
Werner syndrome (WRN). Identifiers: Orphanet 902, MedGen C0043119, MONDO:0010196, OMIM 277700.

Allele frequency attached by ClinVar (database versions not stated): gnomAD exomes below 0.00001; gnomAD 0.00001; TOPMed 0.00001.
gnomAD v4.1: 4 of 1,613,670 alleles (0.00025%); highest among the groups gnomAD compares: Non-Finnish European, 0.00034%; no homozygotes.

Submissions (2):

Women's Health and Genetics/Laboratory Corporation of America, LabCorp
Classification: Uncertain significance. Last evaluated: 2024-07-28. Review status: criteria provided, single submitter. Criteria: LabCorp Variant Classification Summary - May 2015. Collection method: clinical testing. Allele origin: germline.

Labcorp Genetics (formerly Invitae), Labcorp
Classification: Uncertain significance for Werner syndrome. Last evaluated: 2023-10-09. Review status: criteria provided, single submitter. Criteria: Invitae Variant Classification Sherloc (09022015). Collection method: clinical testing. Allele origin: germline.
Comment: This sequence change falls in intron 19 of the WRN gene. It does not directly change the encoded amino acid sequence of the WRN protein. It affects a nucleotide within the consensus splice site. This variant is not present in population databases (gnomAD no frequency). This variant has not been reported in the literature in individuals affected with WRN-related conditions. ClinVar contains an entry for this variant (Variation ID: 656018). Variants that disrupt the consensus splice site are a relatively common cause of aberrant splicing (PMID: 17576681, 9536098). Algorithms developed to predict the effect of sequence changes on RNA splicing suggest that this variant is not likely to affect RNA splicing. In summary, the available evidence is currently insufficient to determine the role of this variant in disease. Therefore, it has been classified as a Variant of Uncertain Significance.

Literature cited by the submitters: PubMed 17576681 (cited by Labcorp Genetics (formerly Invitae), Labcorp); PubMed 9536098 (cited by Labcorp Genetics (formerly Invitae), Labcorp).